The following is an entry in ClinVar:

NM_024408.4(NOTCH2):c.7140G>C (p.Val2380=)

Gene: NOTCH2 (notch receptor 2; minus strand). Cytogenetic location: 1p12.
Variant type: single nucleotide variant.
Coding change: c.7140G>C on transcript NM_024408.4 (MANE Select); coding-DNA position 7140, G replaced by C.
Protein change: p.Val2380=; no amino-acid change (valine 2380 retained).
Molecular consequence: synonymous variant.
Genome position (GRCh38, 1-based): chr1:119,915,582, C>G on the plus strand (G>C on the coding strand, the complement: NOTCH2 is on the minus strand). VCF-style: chr1-119915582-C-G. GRCh37 (hg19) VCF-style: chr1-120458205-C-G.
Other names: c.7140G>C (NM_024408.3).
Identifiers: ClinVar variation 1574670 (VCV001574670.11), dbSNP rs150785478, ClinGen allele CA1039313.

ClinVar aggregate classification (germline): Likely benign. Review status: criteria provided, multiple submitters, no conflicts (2 of 4 stars). 3 submissions from 3 submitters: Likely benign (2). 1 of the submissions does not count toward it. Last evaluated 2026-02-01.

Conditions:
NOTCH2-related disorder. Also called: NOTCH2-related condition.
Alagille syndrome due to a NOTCH2 point mutation. Also called: Alagille syndrome 2. Identifiers: Orphanet 261629, Orphanet 52, MedGen C1857761, MONDO:0012439, OMIM 610205.
Hajdu-Cheney syndrome (HJCYS). Also called: ACROOSTEOLYSIS WITH OSTEOPOROSIS AND CHANGES IN SKULL AND MANDIBLE; Acroosteolysis dominant type; SERPENTINE FIBULA-POLYCYSTIC KIDNEY SYNDROME. Identifiers: Orphanet 955, MedGen C0917715, MONDO:0007057, OMIM 102500.

Allele frequency attached by ClinVar (database versions not stated): ExAC 0.00002; ESP Exome Variant Server 0.00008; gnomAD 0.00051; 1000 Genomes Project 0.00080; 1000 Genomes Project 30x 0.00094; TOPMed 0.00095.
gnomAD v4.1: 122 of 1,614,010 alleles (0.0076%); highest among the groups gnomAD compares: Admixed American, 0.16%; 2 homozygotes.

Submissions (3):

Labcorp Genetics (formerly Invitae), Labcorp
Classification: Likely benign for Hajdu-Cheney syndrome. Last evaluated: 2026-02-01. Review status: criteria provided, single submitter. Criteria: Invitae Variant Classification Sherloc (09022015). Collection method: clinical testing. Allele origin: germline.

Fulgent Genetics
Classification: Likely benign for Hajdu-Cheney syndrome; Alagille syndrome due to a NOTCH2 point mutation. Last evaluated: 2021-07-30. Review status: criteria provided, single submitter. Criteria: ACMG Guidelines, 2015. Collection method: clinical testing. Allele origin: unknown.

PreventionGenetics, part of Exact Sciences
Classification: Likely benign for NOTCH2-related condition. Last evaluated: 2019-10-11. Review status: no assertion criteria provided. Collection method: clinical testing. Allele origin: germline. Not counted in ClinVar's aggregate classification.
Comment: This variant is classified as likely benign based on ACMG/AMP sequence variant interpretation guidelines (Richards et al. 2015 PMID: 25741868, with internal and published modifications).